The following is an entry in ClinVar:

NM_033453.4(ITPA):c.*53C>T

Gene: ITPA (inosine triphosphatase; plus strand). Cytogenetic location: 20p13.
Variant type: single nucleotide variant.
Coding change: c.*53C>T on transcript NM_033453.4 (MANE Select); 53 bases downstream of the stop codon, C replaced by T.
Molecular consequence: 3 prime UTR variant. On other transcripts: nonsense (5), non-coding transcript variant (2), intron variant (1).
Genome position (GRCh38, 1-based): chr20:3,223,515, C>T. VCF-style: chr20-3223515-C-T. GRCh37 (hg19) VCF-style: chr20-3204161-C-T.
Other names: c.*53C>T (NM_001267623.2, NM_001424409.1, NM_181493.4); c.301C>T, p.Gln101Ter (NM_001324236.2, NM_001324237.2, NM_001324238.2 and 1 more transcripts); c.685C>T, p.Gln229Ter (NM_001424408.1); c.412-3168C>T (NM_001324240.2); c.301C>T (NM_001324238.1); short protein forms Q101*, Q229*.
Identifiers: ClinVar variation 1805101 (VCV001805101.3), dbSNP rs553880142, ClinGen allele CA310980243.

ClinVar aggregate classification (germline): Conflicting classifications of pathogenicity. Review status: criteria provided, conflicting classifications (1 of 4 stars). 3 submissions from 3 submitters: Uncertain significance (2); Likely benign (1). Last evaluated 2026-06-30.

Conditions:
ITPA-related disorder. Also called: ITPA-related condition.
Developmental and epileptic encephalopathy, 35 (DEE35). Also called: Epileptic encephalopathy, early infantile, 35. Identifiers: Orphanet 457375, MedGen C4225256, MONDO:0014719, OMIM 616647.
Inosine triphosphatase deficiency. Also called: INOSINE TRIPHOSPHATE PYROPHOSPHOHYDROLASE DEFICIENCY. Identifiers: MedGen C0342800, MONDO:0013461, OMIM 613850.

Allele frequency attached by ClinVar (database versions not stated): TOPMed 0.00008; gnomAD 0.00052; 1000 Genomes Project 30x 0.00281; 1000 Genomes Project 0.00300.
gnomAD v4.1: 1,090 of 1,398,762 alleles (0.078%); highest among the groups gnomAD compares: South Asian, 1.2%; 15 homozygotes.

Submissions (3):

PreventionGenetics, part of Exact Sciences
Classification: Likely benign for ITPA-related condition. Last evaluated: 2026-06-30. Review status: criteria provided, single submitter. Criteria: ACMG Guidelines, 2015. Collection method: clinical testing. Allele origin: germline.
Comment: This variant is classified as likely benign based on ACMG/AMP sequence variant interpretation guidelines (Richards et al. 2015 PMID: 25741868, with internal and published modifications).

Department of Pathology and Laboratory Medicine, Sinai Health System
Classification: Uncertain significance for Inosine triphosphatase deficiency; Developmental and epileptic encephalopathy, 35. Last evaluated: 2023-04-24. Review status: criteria provided, single submitter. Criteria: ACMG Guidelines, 2015. Collection method: research. Allele origin: germline.

Victorian Clinical Genetics Services, Murdoch Childrens Research Institute
Classification: Uncertain significance for Developmental and epileptic encephalopathy, 35. Last evaluated: 2022-02-02. Review status: criteria provided, single submitter. Criteria: ACMG Guidelines, 2015. Collection method: clinical testing. Allele origin: germline. Inheritance: Autosomal recessive inheritance.
Comment: Based on the classification scheme VCGS_Germline_v1.3.4, this variant is classified as VUS-3C. Following criteria are met: 0102 - Loss of function is a known mechanism of disease in this gene and is associated with developmental and epileptic encephalopathy 35 (MIM#616647). (I) 0106 - This gene is associated with autosomal recessive disease. (I) 0205 - Variant is predicted to result in a truncated protein (premature termination codon is NOT located at least 54 nucleotides upstream of the final exon-exon junction) with less than 1/3 of the protein sequence affected. (SP) 0219 - This variant is non-coding in an alternative transcript. This variant is non-coding in the predominantly reported transcript (NM_033453), and is only protein-coding in transcripts without an established function or high expression profile (GTex). (I) 0251 - This variant is heterozygous. (I) 0304 - Variant is present in gnomAD (v3) <0.01 for a recessive condition (76 heterozygotes, 0 homozygotes). (SP) 0604 - Variant is not located in an established domain, motif, hotspot or informative constraint region. (I) 0705 - No comparable protein truncating variants have previous evidence for pathogenicity. (I) 0807 - This variant has no previous evidence of pathogenicity. (I) 0905 - No published segregation evidence has been identified for this variant. (I) 1007 - No published functional evidence has been identified for this variant. (I) 1208 - Inheritance information for this variant is not currently available in this individual. (I) Legend: (SP) - Supporting pathogenic, (I) - Information, (SB) - Supporting benign